The following is an entry in ClinVar:

NM_001110556.2(FLNA):c.3270_3271delinsTA (p.Asp1091Asn)

Gene: FLNA (filamin A; minus strand). Cytogenetic location: Xq28.
Variant type: Indel.
Coding change: c.3270_3271delinsTA on transcript NM_001110556.2 (MANE Select); coding-DNA positions 3270 to 3271, CG replaced by TA.
Protein change: p.Asp1091Asn; replaces aspartic acid 1091 with asparagine.
Molecular consequence: missense variant.
Genome position (GRCh38, 1-based): chrX:154,360,524-154,360,525, CG replaced by TA on the plus strand (CG replaced by TA on the coding strand, the reverse complement: FLNA is on the minus strand). VCF-style: chrX-154360524-CG-TA. GRCh37 (hg19) VCF-style: chrX-153588892-CG-TA.
Other names: c.3270_3271delinsTA, p.Asp1091Asn (NM_001456.4); short protein forms D1091N.
Identifiers: ClinVar variation 2065630 (VCV002065630.4), dbSNP rs2522742021, ClinGen allele CA2580101937.

ClinVar aggregate classification (germline): Uncertain significance (1 of 4 stars; one submission).

Conditions:
Oto-palato-digital syndrome, type II (OPD2). Also called: FACIOPALATOOSSEOUS SYNDROME; OPD II SYNDROME; Otopalatodigital Syndrome, Type II; Otopalatodigital Syndrome Type 2 (FLNA-OPD2). Identifiers: Orphanet 669, Orphanet 90652, MedGen C1844696, MONDO:0010571, OMIM 304120.
Frontometaphyseal dysplasia (FMD1). Identifiers: Orphanet 1826, MedGen C0265293, MONDO:0015942.
Melnick-Needles syndrome (MNS). Also called: MELNICK-NEEDLES OSTEODYSPLASTY; OSTEODYSPLASTY OF MELNICK AND NEEDLES; Melnick-Needles Syndrome (FLNA-MNS). Identifiers: Orphanet 2484, MedGen C0025237, MONDO:0010650, OMIM 309350.
Heterotopia, periventricular, X-linked dominant (PVNH1). Also called: PERIVENTRICULAR NODULAR HETEROTOPIA 1; PERIVENTRICULAR NODULAR HETEROTOPIA 4; HETEROTOPIA, PERIVENTRICULAR, 1; X-linked periventricular heterotopia. Identifiers: Orphanet 2149, Orphanet 82004, MedGen C1848213, MONDO:0010233, OMIM 300049.

Submission:

Labcorp Genetics (formerly Invitae), Labcorp
Classification: Uncertain significance for Oto-palato-digital syndrome, type II; Heterotopia, periventricular, X-linked dominant; Frontometaphyseal dysplasia; Melnick-Needles syndrome. Last evaluated: 2021-12-29. Review status: criteria provided, single submitter. Criteria: Invitae Variant Classification Sherloc (09022015). Collection method: clinical testing. Allele origin: germline.
Comment: In summary, the available evidence is currently insufficient to determine the role of this variant in disease. Therefore, it has been classified as a Variant of Uncertain Significance. Experimental studies and prediction algorithms are not available or were not evaluated, and the functional significance of this variant is currently unknown. This variant has not been reported in the literature in individuals affected with FLNA-related conditions. Information on the frequency of this variant in the gnomAD database is not available, as this variant may be reported differently in the database. This sequence change replaces aspartic acid, which is acidic and polar, with asparagine, which is neutral and polar, at codon 1091 of the FLNA protein (p.Asp1091Asn).